The following is an entry in ClinVar:

NM_021111.3(RECK):c.1665T>C (p.Tyr555=)

Gene: RECK (reversion inducing cysteine rich protein with kazal motifs; plus strand). Cytogenetic location: 9p13.3.
Variant type: single nucleotide variant.
Coding change: c.1665T>C on transcript NM_021111.3 (MANE Select); coding-DNA position 1665, T replaced by C.
Protein change: p.Tyr555=; no amino-acid change (tyrosine 555 retained).
Molecular consequence: synonymous variant.
Genome position (GRCh38, 1-based): chr9:36,108,064, T>C. VCF-style: chr9-36108064-T-C. GRCh37 (hg19) VCF-style: chr9-36108061-T-C.
Other names: c.1281T>C, p.Tyr427= (NM_001316345.2).
Identifiers: ClinVar variation 2659189 (VCV002659189.24), dbSNP rs41277085, ClinGen allele CA5055134.

ClinVar aggregate classification (germline): Likely benign (1 of 4 stars; one submission).

Allele frequency attached by ClinVar (database versions not stated): 1000 Genomes Project 0.00040; 1000 Genomes Project 30x 0.00078; ExAC 0.00238; gnomAD 0.00243; gnomAD exomes 0.00272; TOPMed 0.00311; ESP Exome Variant Server 0.00331.
gnomAD v4.1: 4,405 of 1,614,044 alleles (0.27%); highest among the groups gnomAD compares: Admixed American, 0.3%; 13 homozygotes.

Submission:

CeGaT Center for Human Genetics Tuebingen
Classification: Likely benign. Last evaluated: 2022-04-01. Review status: criteria provided, single submitter. Criteria: CeGaT Center For Human Genetics Tuebingen Variant Classification Criteria Version 2. Collection method: clinical testing. Allele origin: germline. Affected: yes. Observed: 1 variant allele.
Comment: RECK: BP4, BP7